The following is an entry in ClinVar:

ClinVar aggregate classification (germline): Uncertain significance. Review status: criteria provided, multiple submitters, no conflicts (2 of 4 stars). 2 submissions from 2 submitters: Uncertain significance (2). Last evaluated 2023-04-08.

Conditions:
Renal cell carcinoma. Identifiers: Orphanet 217071, MedGen C0007134, MeSH D002292, MONDO:0005086, HP:0005584.
Hereditary cancer-predisposing syndrome. Also called: Hereditary neoplastic syndrome; Neoplastic Syndromes, Hereditary; Hereditary Cancer Syndrome; Tumor predisposition. Identifiers: Orphanet 140162, MedGen C0027672, MeSH D009386, MONDO:0015356.

gnomAD v4.1: 1 of 1,613,922 alleles (0.000062%); highest among the groups gnomAD compares: African/African-American, 0.0013%; no homozygotes.

Submissions (2):

Ambry Genetics
Classification: Uncertain significance for Hereditary cancer-predisposing syndrome. Last evaluated: 2023-04-08. Review status: criteria provided, single submitter. Criteria: Ambry Variant Classification Scheme 2023. Collection method: clinical testing. Allele origin: germline.
Comment: The p.R191G variant (also known as c.571C>G), located in coding exon 1 of the MET gene, results from a C to G substitution at nucleotide position 571. The arginine at codon 191 is replaced by glycine, an amino acid with dissimilar properties. This amino acid position is conserved. In addition, this alteration is predicted to be tolerated by in silico analysis. Since supporting evidence is limited at this time, the clinical significance of this alteration remains unclear.

Labcorp Genetics (formerly Invitae), Labcorp
Classification: Uncertain significance for Renal cell carcinoma. Last evaluated: 2023-03-18. Review status: criteria provided, single submitter. Criteria: Invitae Variant Classification Sherloc (09022015). Collection method: clinical testing. Allele origin: germline.
Comment: In summary, the available evidence is currently insufficient to determine the role of this variant in disease. Therefore, it has been classified as a Variant of Uncertain Significance. Advanced modeling of protein sequence and biophysical properties (such as structural, functional, and spatial information, amino acid conservation, physicochemical variation, residue mobility, and thermodynamic stability) performed at Invitae indicates that this missense variant is not expected to disrupt MET protein function. ClinVar contains an entry for this variant (Variation ID: 658147). This variant has not been reported in the literature in individuals affected with MET-related conditions. This variant is present in population databases (no rsID available, gnomAD 0.007%). This sequence change replaces arginine, which is basic and polar, with glycine, which is neutral and non-polar, at codon 191 of the MET protein (p.Arg191Gly).

NM_000245.4(MET):c.571C>G (p.Arg191Gly)

Gene: MET (MET proto-oncogene, receptor tyrosine kinase; plus strand). Cytogenetic location: 7q31.2.
Variant type: single nucleotide variant.
Coding change: c.571C>G on transcript NM_000245.4 (MANE Select); coding-DNA position 571, C replaced by G.
Protein change: p.Arg191Gly; replaces arginine 191 with glycine.
Molecular consequence: missense variant. On other transcripts: intron variant (1).
Genome position (GRCh38, 1-based): chr7:116,699,655, C>G. VCF-style: chr7-116699655-C-G. GRCh37 (hg19) VCF-style: chr7-116339709-C-G.
Other names: c.571C>G, p.Arg191Gly (NM_001127500.3, NM_001324401.3); c.-91+27078C>G (NM_001324402.2); short protein forms R191G.
Identifiers: ClinVar variation 658147 (VCV000658147.12), dbSNP rs530932258, ClinGen allele CA368969370.